The following is an entry in ClinVar:

ClinVar aggregate classification (germline): Uncertain significance (1 of 4 stars; one submission).

Allele frequency attached by ClinVar (database versions not stated): gnomAD exomes below 0.00001; gnomAD 0.00001; TOPMed 0.00001; ExAC 0.00002.
gnomAD v4.1: 3 of 1,613,378 alleles (0.00019%); highest among the groups gnomAD compares: Non-Finnish European, 0.00025%; no homozygotes.

Submission:

Labcorp Genetics (formerly Invitae), Labcorp
Classification: Uncertain significance. Last evaluated: 2023-09-09. Review status: criteria provided, single submitter. Criteria: Invitae Variant Classification Sherloc (09022015). Collection method: clinical testing. Allele origin: germline.
Comment: Experimental studies and prediction algorithms are not available or were not evaluated, and the functional significance of this variant is currently unknown. This variant has not been reported in the literature in individuals affected with TNNT3-related conditions. This variant is present in population databases (rs780143869, gnomAD 0.002%). This sequence change replaces glutamic acid, which is acidic and polar, with valine, which is neutral and non-polar, at codon 4 of the TNNT3 protein (p.Glu4Val). In summary, the available evidence is currently insufficient to determine the role of this variant in disease. Therefore, it has been classified as a Variant of Uncertain Significance.

NM_006757.4(TNNT3):c.11A>T (p.Glu4Val)

Gene: TNNT3 (troponin T3, fast skeletal type; plus strand). Cytogenetic location: 11p15.5.
Variant type: single nucleotide variant.
Coding change: c.11A>T on transcript NM_006757.4 (MANE Select); coding-DNA position 11, A replaced by T.
Protein change: p.Glu4Val; replaces glutamic acid 4 with valine.
Molecular consequence: missense variant. On other transcripts: 5 prime UTR variant (2).
Genome position (GRCh38, 1-based): chr11:1,922,885, A>T. VCF-style: chr11-1922885-A-T. GRCh37 (hg19) VCF-style: chr11-1944115-A-T.
Other names: c.11A>T, p.Glu4Val (NM_001042780.3, NM_001042781.3, NM_001042782.3 and 11 more transcripts); c.-105A>T (NM_001367851.1); c.-123A>T (NM_001367852.1); short protein forms E4V.
Identifiers: ClinVar variation 2844540 (VCV002844540.3), dbSNP rs780143869, ClinGen allele CA5816029.